The following is an entry in ClinVar:

ClinVar aggregate classification (germline): Uncertain significance. Review status: criteria provided, multiple submitters, no conflicts (2 of 4 stars). 2 submissions from 2 submitters: Uncertain significance (2). Last evaluated 2026-06-24.

Conditions:
Osteogenesis imperfecta type I (OI1). Also called: Lobstein disease; OI, TYPE I; OSTEOGENESIS IMPERFECTA TARDA; OSTEOGENESIS IMPERFECTA WITH BLUE SCLERAE; Osteogenesis imperfecta type 1; Classic Non-deforming Osteogenesis Imperfecta with Blue Sclerae. Identifiers: Orphanet 216796, Orphanet 666, MedGen C0023931, MONDO:0008146, OMIM 166200. Disease mechanism: loss of function.
Cardiovascular phenotype. Identifiers: MedGen CN230736.

Allele frequency attached by ClinVar (database versions not stated): ExAC 0.00001; gnomAD exomes 0.00001 and 0.00002; TOPMed 0.00001; gnomAD 0.00002.
gnomAD v4.1: 39 of 1,613,946 alleles (0.0024%); highest among the groups gnomAD compares: Non-Finnish European, 0.0031%; no homozygotes.

Submissions (2):

Ambry Genetics
Classification: Uncertain significance for Cardiovascular phenotype. Last evaluated: 2026-06-24. Review status: criteria provided, single submitter. Criteria: Ambry Variant Classification Scheme 2023. Collection method: clinical testing. Allele origin: germline.

Labcorp Genetics (formerly Invitae), Labcorp
Classification: Uncertain significance for Osteogenesis imperfecta type I. Last evaluated: 2020-11-26. Review status: criteria provided, single submitter. Criteria: Invitae Variant Classification Sherloc (09022015). Collection method: clinical testing. Allele origin: germline.
Comment: In summary, the available evidence is currently insufficient to determine the role of this variant in disease. Therefore, it has been classified as a Variant of Uncertain Significance. This variant has not been reported in the literature in individuals with COL1A1-related disease. This variant is present in population databases (rs757147791, ExAC 0.002%). This sequence change replaces arginine with glutamine at codon 598 of the COL1A1 protein (p.Arg598Gln). The arginine residue is highly conserved and there is a small physicochemical difference between arginine and glutamine.

NM_000088.4(COL1A1):c.1793G>A (p.Arg598Gln)

Gene: COL1A1 (collagen type I alpha 1 chain; minus strand). Cytogenetic location: 17q21.33.
Variant type: single nucleotide variant.
Coding change: c.1793G>A on transcript NM_000088.4 (MANE Select); coding-DNA position 1793, G replaced by A.
Protein change: p.Arg598Gln; replaces arginine 598 with glutamine.
Molecular consequence: missense variant.
Genome position (GRCh38, 1-based): chr17:50,193,022, C>T on the plus strand (G>A on the coding strand, the complement: COL1A1 is on the minus strand). VCF-style: chr17-50193022-C-T. GRCh37 (hg19) VCF-style: chr17-48270383-C-T.
Other names: short protein forms R598Q.
Identifiers: ClinVar variation 526846 (VCV000526846.12), dbSNP rs757147791, ClinGen allele CA8645099.